The following is an entry in ClinVar:

NM_052947.4(ALPK2):c.457A>G (p.Ile153Val)

Gene: ALPK2 (alpha kinase 2; minus strand). Cytogenetic location: 18q21.31.
Variant type: single nucleotide variant.
Coding change: c.457A>G on transcript NM_052947.4 (MANE Select); coding-DNA position 457, A replaced by G.
Protein change: p.Ile153Val; replaces isoleucine 153 with valine.
Molecular consequence: missense variant.
Genome position (GRCh38, 1-based): chr18:58,580,319, T>C on the plus strand (A>G on the coding strand, the complement: ALPK2 is on the minus strand). VCF-style: chr18-58580319-T-C. GRCh37 (hg19) VCF-style: chr18-56247551-T-C.
Other names: short protein forms I153V.
Identifiers: ClinVar variation 3055262 (VCV003055262.2), dbSNP rs78047545, ClinGen allele CA8977443.

ClinVar aggregate classification (germline): Benign (0 of 4 stars; one submission).

Conditions:
ALPK2-related disorder. Also called: ALPK2-related condition.

Allele frequency attached by ClinVar (database versions not stated): ExAC 0.00709; ESP Exome Variant Server 0.02458; gnomAD 0.02467; 1000 Genomes Project 0.02716; TOPMed 0.02800; 1000 Genomes Project 30x 0.02873.
gnomAD v4.1: 7,355 of 1,614,098 alleles (0.46%); highest among the groups gnomAD compares: African/African-American, 8.4%; 282 homozygotes.

Submission:

PreventionGenetics, part of Exact Sciences
Classification: Benign for ALPK2-related condition. Last evaluated: 2019-03-08. Review status: no assertion criteria provided. Collection method: clinical testing. Allele origin: germline.
Comment: This variant is classified as benign based on ACMG/AMP sequence variant interpretation guidelines (Richards et al. 2015 PMID: 25741868, with internal and published modifications).